The following is an entry in ClinVar:

ClinVar aggregate classification (germline): Uncertain significance. Review status: criteria provided, multiple submitters, no conflicts (2 of 4 stars). 2 submissions from 2 submitters: Uncertain significance (2). Last evaluated 2025-03-16.

Conditions:
Pfeiffer syndrome (ACS5). Also called: ACS V. Identifiers: Orphanet 710, MedGen C0220658, MONDO:0007043, OMIM 101600.
Hypogonadotropic hypogonadism 2 with or without anosmia (HH2). Also called: HYPOGONADOTROPIC HYPOGONADISM 2 WITH OR WITHOUT ANOSMIA, SUSCEPTIBILITY TO; HYPOGONADOTROPIC HYPOGONADISM 2 WITHOUT ANOSMIA, SUSCEPTIBILITY TO; HYPOGONADOTROPIC HYPOGONADISM 2 WITHOUT ANOSMIA; FGFR1-Related GnRH Deficiency (Kallmann Syndrome 2). Identifiers: Orphanet 478, MedGen C1563720, MONDO:0007844, OMIM 147950. Disease mechanism: loss of function.

Submissions (2):

Labcorp Genetics (formerly Invitae), Labcorp
Classification: Uncertain significance for Pfeiffer syndrome; Hypogonadotropic hypogonadism 2 with or without anosmia. Last evaluated: 2025-03-16. Review status: criteria provided, single submitter. Criteria: Invitae Variant Classification Sherloc (09022015). Collection method: clinical testing. Allele origin: germline.
Comment: This sequence change replaces valine, which is neutral and non-polar, with methionine, which is neutral and non-polar, at codon 429 of the FGFR1 protein (p.Val429Met). This variant is not present in population databases (gnomAD no frequency). This variant has not been reported in the literature in individuals affected with FGFR1-related conditions. ClinVar contains an entry for this variant (Variation ID: 2663422). An algorithm developed to predict the effect of missense changes on protein structure and function (PolyPhen-2) suggests that this variant is likely to be disruptive. In summary, the available evidence is currently insufficient to determine the role of this variant in disease. Therefore, it has been classified as a Variant of Uncertain Significance.

GeneDx
Classification: Uncertain significance. Last evaluated: 2023-03-31. Review status: criteria provided, single submitter. Criteria: GeneDx Variant Classification Process June 2021. Collection method: clinical testing. Allele origin: germline. Affected: yes.
Comment: Not observed at significant frequency in large population cohorts (gnomAD); In silico analysis supports that this missense variant does not alter protein structure/function; Has not been previously published as pathogenic or benign to our knowledge

NM_023110.3(FGFR1):c.1285G>A (p.Val429Met)

Gene: FGFR1 (fibroblast growth factor receptor 1; minus strand). Cytogenetic location: 8p11.23.
Variant type: single nucleotide variant.
Coding change: c.1285G>A on transcript NM_023110.3 (MANE Select); coding-DNA position 1285, G replaced by A.
Protein change: p.Val429Met; replaces valine 429 with methionine.
Molecular consequence: missense variant.
Genome position (GRCh38, 1-based): chr8:38,418,373, C>T on the plus strand (G>A on the coding strand, the complement: FGFR1 is on the minus strand). VCF-style: chr8-38418373-C-T. GRCh37 (hg19) VCF-style: chr8-38275891-C-T.
Other names: c.1285G>A, p.Val429Met (NM_000604.2); c.1279G>A, p.Val427Met (NM_001174063.2, NM_001174065.2, NM_001354367.2 and 1 more transcripts); c.1255G>A, p.Val419Met (NM_001174064.2); c.1018G>A, p.Val340Met (NM_001174066.2, NM_023105.3); c.1378G>A, p.Val460Met (NM_001174067.2); c.1006G>A, p.Val336Met (NM_001354368.2); c.1273G>A, p.Val425Met (NM_001354369.2, NM_001410922.1); c.1012G>A, p.Val338Met (NM_001354370.2, NM_023106.3); short protein forms V336M, V338M, V340M, V419M, V425M, V427M, V429M, V460M.
Identifiers: ClinVar variation 2663422 (VCV002663422.2), dbSNP rs2150680138, ClinGen allele CA370733454.